The following is an entry in ClinVar:

ClinVar aggregate classification (germline): Pathogenic (1 of 4 stars; one submission).

Submission:

Labcorp Genetics (formerly Invitae), Labcorp
Classification: Pathogenic. Last evaluated: 2025-12-24. Review status: criteria provided, single submitter. Criteria: Invitae Variant Classification Sherloc (09022015). Collection method: clinical testing. Allele origin: germline.
Comment: This sequence change creates a premature translational stop signal (p.Trp188Glyfs*28) in the DNAJB13 gene. It is expected to result in an absent or disrupted protein product. Loss-of-function variants in DNAJB13 are known to be pathogenic (PMID: 27486783, 31650533). This variant is not present in population databases (gnomAD no frequency). This variant has not been reported in the literature in individuals affected with DNAJB13-related conditions. For these reasons, this variant has been classified as Pathogenic.

Literature cited by the submitters: PubMed 27486783; PubMed 31650533.

NM_153614.4(DNAJB13):c.562del (p.Trp188fs)

Gene: DNAJB13 (DnaJ heat shock protein family (Hsp40) member B13; plus strand). Cytogenetic location: 11q13.4.
Variant type: Deletion.
Coding change: c.562del on transcript NM_153614.4 (MANE Select); coding-DNA position 562, one base deleted (T; older notation c.562delT).
Protein change: p.Trp188fs; shifts the reading frame from tryptophan 188.
Molecular consequence: frameshift variant.
Genome position (GRCh38, 1-based): chr11:73,966,207, T deleted; the last of 2 consecutive T bases (chr11:73,966,206-73,966,207); deleting either gives the same sequence. VCF-style (leftmost placement, unchanged base first): chr11-73966205-GT-G. GRCh37 (hg19) VCF-style: chr11-73677250-GT-G.
Other names: c.388del, p.Trp130fs (NM_001377263.1); c.400del, p.Trp134fs (NM_001441321.1); short protein forms W130fs, W134fs, W188fs.
Identifiers: ClinVar variation 4798695 (VCV004798695.1).
Genomic context (GRCh38, chr11:73,966,205, plus strand): 5'-ACGAGGATGGGTACTCCTCCACCATCAAGGACAAGATCCTGACCATTGATGTGAAGCCCG[GT>G]TGGAGGCAGGGCACACGCATCACCTTTGAGAAGGAAGGGGACCAGGTGAGGGGGGAAGAA-3'